The following is an entry in ClinVar:

NM_001004334.4(GPR179):c.1375G>A (p.Val459Ile)

Gene: GPR179 (G protein-coupled receptor 179; minus strand). Cytogenetic location: 17q12.
Variant type: single nucleotide variant.
Coding change: c.1375G>A on transcript NM_001004334.4 (MANE Select); coding-DNA position 1375, G replaced by A.
Protein change: p.Val459Ile; replaces valine 459 with isoleucine.
Molecular consequence: missense variant.
Genome position (GRCh38, 1-based): chr17:38,335,622, C>T on the plus strand (G>A on the coding strand, the complement: GPR179 is on the minus strand). VCF-style: chr17-38335622-C-T. GRCh37 (hg19) VCF-style: chr17-36491505-C-T.
Other names: short protein forms V459I.
Identifiers: ClinVar variation 1491079 (VCV001491079.7), dbSNP rs769384383, ClinGen allele CA290108865.
Genomic context (GRCh38, chr17:38,335,622, plus strand): 5'-ATGAGAGCAAAGTCTGCCCCAGGCCGTACCTGTAAAGCTTGAGTATGATGGTGCCGTAGA[C>T]GATGGCAAAACCCAGCAGCCGCACCCAGCGAAGAGCGATGCAGCGGAATACACTGGGCTT-3'
Protein context (NP_001004334.3, residues 449-469): RWVRLLGFAI[Val459Ile]YGTIILKLYR

ClinVar aggregate classification (germline): Uncertain significance. Review status: criteria provided, multiple submitters, no conflicts (2 of 4 stars). 2 submissions from 2 submitters: Uncertain significance (2). Last evaluated 2024-07-09.

Allele frequency attached by ClinVar (database versions not stated): gnomAD 0.00002 and 0.00003; TOPMed 0.00002; gnomAD exomes 0.00005; ExAC 0.00006.
gnomAD v4.1: 44 of 1,613,790 alleles (0.0027%); highest among the groups gnomAD compares: Middle Eastern, 0.016%; no homozygotes.

Submissions (2):

Blueprint Genetics
Classification: Uncertain significance. Last evaluated: 2024-07-09. Review status: criteria provided, single submitter. Criteria: ACMG Guidelines, 2015. Collection method: clinical testing. Allele origin: germline.

Labcorp Genetics (formerly Invitae), Labcorp
Classification: Uncertain significance. Last evaluated: 2022-11-29. Review status: criteria provided, single submitter. Criteria: Invitae Variant Classification Sherloc (09022015). Collection method: clinical testing. Allele origin: germline.
Comment: This sequence change replaces valine, which is neutral and non-polar, with isoleucine, which is neutral and non-polar, at codon 459 of the GPR179 protein (p.Val459Ile). This variant is present in population databases (rs769384383, gnomAD 0.009%). In summary, the available evidence is currently insufficient to determine the role of this variant in disease. Therefore, it has been classified as a Variant of Uncertain Significance. This variant has not been reported in the literature in individuals affected with GPR179-related conditions. ClinVar contains an entry for this variant (Variation ID: 1491079). Algorithms developed to predict the effect of missense changes on protein structure and function are either unavailable or do not agree on the potential impact of this missense change (SIFT: "Tolerated"; PolyPhen-2: "Probably Damaging"; Align-GVGD: "Class C0").